The following is an entry in ClinVar:

ClinVar aggregate classification (germline): Uncertain significance (1 of 4 stars; one submission).

Conditions:
Developmental and epileptic encephalopathy. Identifiers: MedGen C5779964, MONDO:0100620.

Submission:

Labcorp Genetics (formerly Invitae), Labcorp
Classification: Uncertain significance for Early-infantile DEE. Last evaluated: 2023-07-12. Review status: criteria provided, single submitter. Criteria: Invitae Variant Classification Sherloc (09022015). Collection method: clinical testing. Allele origin: unknown.
Comment: This variant results in a copy number gain of the genomic region encompassing exon(s) 18-27 of the SCN8A gene. This region includes the termination codon of the gene. This copy number gain extends beyond the assayed region for this gene and therefore may encompass additional genes. As the precise location of this event is unknown, it may be in tandem or it may be located elsewhere in the genome. This variant has not been reported in the literature in individuals affected with SCN8A-related conditions. In summary, the available evidence is currently insufficient to determine the role of this variant in disease. Therefore, it has been classified as a Variant of Uncertain Significance.

NC_000012.11:g.(?_52163632)_(52201213_?)dup

Gene: SCN8A (sodium voltage-gated channel alpha subunit 8; plus strand). Cytogenetic location: 12q13.13.
Variant type: Duplication.
Identifiers: ClinVar variation 3244264 (VCV003244264.1).